The following is an entry in ClinVar:

NM_017841.4(SDHAF2):c.59G>T (p.Ser20Ile)

Gene: SDHAF2 (succinate dehydrogenase complex assembly factor 2; plus strand). Cytogenetic location: 11q12.2.
Variant type: single nucleotide variant.
Coding change: c.59G>T on transcript NM_017841.4 (MANE Select); coding-DNA position 59, G replaced by T.
Protein change: p.Ser20Ile; replaces serine 20 with isoleucine.
Molecular consequence: missense variant.
Genome position (GRCh38, 1-based): chr11:61,437,647, G>T. VCF-style: chr11-61437647-G-T. GRCh37 (hg19) VCF-style: chr11-61205119-G-T.
Other names: short protein forms S20I.
Identifiers: ClinVar variation 5029234 (VCV005029234.1).

ClinVar aggregate classification (germline): Uncertain significance (1 of 4 stars; one submission).

Conditions:
Hereditary cancer-predisposing syndrome. Also called: Neoplastic Syndromes, Hereditary; Tumor predisposition; Hereditary neoplastic syndrome; Hereditary Cancer Syndrome. Identifiers: Orphanet 140162, MedGen C0027672, MeSH D009386, MONDO:0015356.

Submission:

Ambry Genetics
Classification: Uncertain significance for Hereditary cancer-predisposing syndrome. Last evaluated: 2026-07-07. Review status: criteria provided, single submitter. Criteria: Ambry Variant Classification Scheme 2023. Collection method: clinical testing. Allele origin: germline.
Comment: The p.S20I variant (also known as c.59G>T), located in coding exon 2 of the SDHAF2 gene, results from a G to T substitution at nucleotide position 59. The serine at codon 20 is replaced by isoleucine, an amino acid with dissimilar properties. This amino acid position is conserved. In addition, this alteration is predicted to be tolerated by in silico analysis. Based on the available evidence, the clinical significance of this variant remains unclear.